The following is an entry in ClinVar:

NM_014000.3(VCL):c.1105A>G (p.Asn369Asp)

Gene: VCL (vinculin; plus strand). Cytogenetic location: 10q22.2.
Variant type: single nucleotide variant.
Coding change: c.1105A>G on transcript NM_014000.3 (MANE Select); coding-DNA position 1105, A replaced by G.
Protein change: p.Asn369Asp; replaces asparagine 369 with aspartic acid.
Molecular consequence: missense variant.
Genome position (GRCh38, 1-based): chr10:74,089,278, A>G. VCF-style: chr10-74089278-A-G. GRCh37 (hg19) VCF-style: chr10-75849036-A-G.
Other names: c.1105A>G, p.Asn369Asp (NM_003373.4); short protein forms N369D.
Identifiers: ClinVar variation 1306476 (VCV001306476.7), dbSNP rs1421516056, ClinGen allele CA377272609.
Genomic context (GRCh38, chr10:74,089,278, plus strand): 5'-GCCATGCAGAAAGCTCAGCAGGTATCTCAGGGTCTGGATGTGCTCACAGCAAAAGTGGAA[A>G]ATGCAGCTCGCAAGCTGGAAGCCATGACCAACTCAAAGCAGAGCATTGCAAAGAAGATCG-3'
Protein context (NP_054706.1, residues 359-379): GLDVLTAKVE[Asn369Asp]AARKLEAMTN

ClinVar aggregate classification (germline): Uncertain significance. Review status: criteria provided, multiple submitters, no conflicts (2 of 4 stars). 3 submissions from 3 submitters: Uncertain significance (3). Last evaluated 2025-08-20.

Conditions:
Cardiovascular phenotype. Identifiers: MedGen CN230736.
Dilated cardiomyopathy 1W (CMD1W). Identifiers: Orphanet 154, MedGen C1969639, MONDO:0012667, OMIM 611407.

Allele frequency attached by ClinVar (database versions not stated): TOPMed below 0.00001; gnomAD 0.00001.
gnomAD v4.1: 1 of 1,614,078 alleles (0.000062%); highest among the groups gnomAD compares: Non-Finnish European, 0.000085%; no homozygotes.

Submissions (3):

Ambry Genetics
Classification: Uncertain significance for Cardiovascular phenotype. Last evaluated: 2025-08-20. Review status: criteria provided, single submitter. Criteria: Ambry Variant Classification Scheme 2023. Collection method: clinical testing. Allele origin: germline.

Labcorp Genetics (formerly Invitae), Labcorp
Classification: Uncertain significance for Dilated cardiomyopathy 1W. Last evaluated: 2023-12-28. Review status: criteria provided, single submitter. Criteria: Invitae Variant Classification Sherloc (09022015). Collection method: clinical testing. Allele origin: germline.
Comment: This sequence change replaces asparagine, which is neutral and polar, with aspartic acid, which is acidic and polar, at codon 369 of the VCL protein (p.Asn369Asp). This variant is not present in population databases (gnomAD no frequency). This variant has not been reported in the literature in individuals affected with VCL-related conditions. ClinVar contains an entry for this variant (Variation ID: 1306476). An algorithm developed to predict the effect of missense changes on protein structure and function (PolyPhen-2) suggests that this variant is likely to be tolerated. In summary, the available evidence is currently insufficient to determine the role of this variant in disease. Therefore, it has been classified as a Variant of Uncertain Significance.

GeneDx
Classification: Uncertain significance. Last evaluated: 2019-06-27. Review status: criteria provided, single submitter. Criteria: GeneDx Variant Classification Process June 2021. Collection method: clinical testing. Allele origin: germline. Affected: yes.
Comment: Has not been previously published as pathogenic or benign to our knowledge; Not observed in large population cohorts (Lek et al., 2016); In silico analysis, which includes protein predictors and evolutionary conservation, supports that this variant does not alter protein structure/function